The following is an entry in ClinVar:

ClinVar aggregate classification (germline): Uncertain significance (1 of 4 stars; one submission).

Submission:

Dasa
Classification: Uncertain significance. Last evaluated: 2025-01-30. Review status: criteria provided, single submitter. Criteria: DASA Assertion Criteria. Collection method: clinical testing. Allele origin: germline.
Comment: NM_133433.4(NIPBL):c.3161A>G (p.Glu1054Gly) is a missense variant that results in the substitution of glutamic acid with glycine. This variant is absent from population databases. The currently available literature and clinical evidence are not sufficient to establish a definitive association between this variant and the reported condition. Therefore, this variant is classified as a variant of uncertain significance.

NM_133433.4(NIPBL):c.3161A>G (p.Glu1054Gly)

Gene: NIPBL (NIPBL cohesin loading factor; plus strand). Cytogenetic location: 5p13.2.
Variant type: single nucleotide variant.
Coding change: c.3161A>G on transcript NM_133433.4 (MANE Select); coding-DNA position 3161, A replaced by G.
Protein change: p.Glu1054Gly; replaces glutamic acid 1054 with glycine.
Molecular consequence: missense variant.
Genome position (GRCh38, 1-based): chr5:36,995,661, A>G. VCF-style: chr5-36995661-A-G. GRCh37 (hg19) VCF-style: chr5-36995763-A-G.
Other names: c.3161A>G, p.Glu1054Gly (NM_001438586.1, NM_015384.5); short protein forms E1054G.
Identifiers: ClinVar variation 4884896 (VCV004884896.2).
Genomic context (GRCh38, chr5:36,995,661, plus strand): 5'-AAATTTACCTTTCATTAATAGGTAGTATAGATCAATCAGTGTTAAAAGAATTACCCCCTG[A>G]ACTCCTGGCAGAAATTGAGTCCACCATGCCACTTTGTGAACGTGTGAAAATGAACAAACG-3'
Protein context (NP_597677.2, residues 1044-1064): DQSVLKELPP[Glu1054Gly]LLAEIESTMP